The following is an entry in ClinVar:

NM_198834.3(ACACA):c.1335G>A (p.Ala445=)

Gene: ACACA (acetyl-CoA carboxylase alpha; minus strand). Cytogenetic location: 17q12.
Variant type: single nucleotide variant.
Coding change: c.1335G>A on transcript NM_198834.3 (MANE Select); coding-DNA position 1335, G replaced by A.
Protein change: p.Ala445=; no amino-acid change (alanine 445 retained).
Molecular consequence: synonymous variant.
Genome position (GRCh38, 1-based): chr17:37,259,525, C>T on the plus strand (G>A on the coding strand, the complement: ACACA is on the minus strand). VCF-style: chr17-37259525-C-T. GRCh37 (hg19) VCF-style: chr17-35616447-C-T.
Other names: c.1224G>A, p.Ala408= (NM_198836.3, NM_198839.3); c.1050G>A, p.Ala350= (NM_198837.2); c.990G>A, p.Ala330= (NM_198838.2).
Identifiers: ClinVar variation 3620406 (VCV003620406.2).

ClinVar aggregate classification (germline): Uncertain significance (1 of 4 stars; one submission).

gnomAD v4.1: 24 of 1,614,152 alleles (0.0015%); highest among the groups gnomAD compares: Middle Eastern, 0.016%; no homozygotes.

Submission:

Labcorp Genetics (formerly Invitae), Labcorp
Classification: Uncertain significance. Last evaluated: 2024-11-11. Review status: criteria provided, single submitter. Criteria: Invitae Variant Classification Sherloc (09022015). Collection method: clinical testing. Allele origin: germline.
Comment: This sequence change affects codon 408 of the ACACA mRNA. It is a 'silent' change, meaning that it does not change the encoded amino acid sequence of the ACACA protein. This variant is present in population databases (rs190973741, gnomAD 0.01%). This variant has not been reported in the literature in individuals affected with ACACA-related conditions. Algorithms developed to predict the effect of sequence changes on RNA splicing suggest that this variant may create or strengthen a splice site. In summary, the available evidence is currently insufficient to determine the role of this variant in disease. Therefore, it has been classified as a Variant of Uncertain Significance.